The following is an entry in ClinVar:

ClinVar aggregate classification (germline): Likely benign (1 of 4 stars; one submission).

Allele frequency attached by ClinVar (database versions not stated): ESP Exome Variant Server 0.00008; gnomAD 0.00011; TOPMed 0.00012; gnomAD exomes 0.00019; ExAC 0.00043.
gnomAD v4.1: 287 of 1,608,356 alleles (0.018%); highest among the groups gnomAD compares: South Asian, 0.098%; no homozygotes.

Submission:

CeGaT Center for Human Genetics Tuebingen
Classification: Likely benign. Last evaluated: 2025-12-01. Review status: criteria provided, single submitter. Criteria: CeGaT Center For Human Genetics Tuebingen Variant Classification Criteria Version 2. Collection method: clinical testing. Allele origin: germline. Affected: yes. Observed: 2 variant alleles.
Comment: SLC25A10: BP4, BP7

NM_012140.5(SLC25A10):c.628-16C>T

Gene: SLC25A10 (solute carrier family 25 member 10; plus strand). Cytogenetic location: 17q25.3.
Variant type: single nucleotide variant.
Coding change: c.628-16C>T on transcript NM_012140.5 (MANE Select); 16 bases into the intron before coding-DNA position 628, C replaced by T.
Molecular consequence: intron variant. On other transcripts: synonymous variant (1).
Genome position (GRCh38, 1-based): chr17:81,717,768, C>T. VCF-style: chr17-81717768-C-T. GRCh37 (hg19) VCF-style: chr17-79684798-C-T.
Other names: c.639C>T, p.Asp213= (NM_001270888.2); c.545-16C>T (NM_001270953.2).
Identifiers: ClinVar variation 2648464 (VCV002648464.24), dbSNP rs200232975, ClinGen allele CA8841858.
Genomic context (GRCh38, chr17:81,717,768, plus strand): 5'-TTCTGGCACGTGGGTGGGATTCGGCGATGGTGCCTGGCGTACCTGACAGGCCGCTGGTGA[C>T]GAGCCCCCTCCTCAGGGTGGATGTGCCACGTTCCTGTGCCAGCCCCTGGATGTGCTGAAG-3'